The following is an entry in ClinVar:

NM_000051.4(ATM):c.707T>G (p.Leu236Arg)

Gene: ATM (ATM serine/threonine kinase; plus strand). Cytogenetic location: 11q22.3.
Variant type: single nucleotide variant.
Coding change: c.707T>G on transcript NM_000051.4 (MANE Select); coding-DNA position 707, T replaced by G.
Protein change: p.Leu236Arg; replaces leucine 236 with arginine.
Molecular consequence: missense variant.
Genome position (GRCh38, 1-based): chr11:108,244,832, T>G. VCF-style: chr11-108244832-T-G. GRCh37 (hg19) VCF-style: chr11-108115559-T-G.
Other names: c.707T>G, p.Leu236Arg (NM_001351834.2); short protein forms L236R.
Identifiers: ClinVar variation 641835 (VCV000641835.9), dbSNP rs876659813, ClinGen allele CA382529150.

ClinVar aggregate classification (germline): Uncertain significance. Review status: criteria provided, multiple submitters, no conflicts (2 of 4 stars). 2 submissions from 2 submitters: Uncertain significance (2). Last evaluated 2024-12-21.

Conditions:
Ataxia-telangiectasia syndrome (AT). Also called: LOUIS-BAR SYNDROME; Ataxia-telangiectasia, complementation group E; Ataxia-telangiectasia, complementation group D; AT, COMPLEMENTATION GROUP C; Ataxia telangiectasia (A-T); Cerebello-oculocutaneous telangiectasia. Identifiers: Orphanet 100, MedGen C0004135, MONDO:0008840, OMIM 208900.
Hereditary cancer-predisposing syndrome. Also called: Neoplastic Syndromes, Hereditary; Hereditary Cancer Syndrome; Hereditary neoplastic syndrome; Tumor predisposition. Identifiers: Orphanet 140162, MedGen C0027672, MeSH D009386, MONDO:0015356.

Allele frequency attached by ClinVar (database versions not stated): TOPMed below 0.00001.

Submissions (2):

Ambry Genetics
Classification: Uncertain significance for Hereditary cancer-predisposing syndrome. Last evaluated: 2024-12-21. Review status: criteria provided, single submitter. Criteria: Ambry Variant Classification Scheme 2023. Collection method: clinical testing. Allele origin: germline.
Comment: The p.L236R variant (also known as c.707T>G), located in coding exon 6 of the ATM gene, results from a T to G substitution at nucleotide position 707. The leucine at codon 236 is replaced by arginine, an amino acid with dissimilar properties. This amino acid position is conserved. In addition, the in silico prediction for this alteration is inconclusive. Based on the available evidence, the clinical significance of this variant remains unclear.

Labcorp Genetics (formerly Invitae), Labcorp
Classification: Uncertain significance for Ataxia-telangiectasia syndrome. Last evaluated: 2023-07-26. Review status: criteria provided, single submitter. Criteria: Invitae Variant Classification Sherloc (09022015). Collection method: clinical testing. Allele origin: germline.
Comment: This sequence change replaces leucine, which is neutral and non-polar, with arginine, which is basic and polar, at codon 236 of the ATM protein (p.Leu236Arg). This variant is not present in population databases (gnomAD no frequency). This variant has not been reported in the literature in individuals affected with ATM-related conditions. ClinVar contains an entry for this variant (Variation ID: 641835). An algorithm developed to predict the effect of missense changes on protein structure and function (PolyPhen-2) suggests that this variant is likely to be disruptive. In summary, the available evidence is currently insufficient to determine the role of this variant in disease. Therefore, it has been classified as a Variant of Uncertain Significance.